The following is an entry in ClinVar:

NM_000240.4(MAOA):c.1447_1448delinsAA (p.Ala483Lys)

Gene: MAOA (monoamine oxidase A; plus strand). Cytogenetic location: Xp11.3.
Variant type: Indel.
Coding change: c.1447_1448delinsAA on transcript NM_000240.4 (MANE Select); coding-DNA positions 1447 to 1448, GC replaced by AA.
Protein change: p.Ala483Lys; replaces alanine 483 with lysine.
Molecular consequence: missense variant.
Genome position (GRCh38, 1-based): chrX:43,744,376-43,744,377, GC replaced by AA. VCF-style: chrX-43744376-GC-AA. GRCh37 (hg19) VCF-style: chrX-43603623-GC-AA.
Other names: c.1048_1049delinsAA, p.Ala350Lys (NM_001270458.2); short protein forms A350K, A483K.
Identifiers: ClinVar variation 435817 (VCV000435817.7), dbSNP rs1555951370, ClinGen allele CA645372684.

ClinVar aggregate classification (germline): Uncertain significance. Review status: criteria provided, multiple submitters, no conflicts (2 of 4 stars). 2 submissions from 2 submitters: Uncertain significance (2). Last evaluated 2025-08-19.

Conditions:
MAOA-related disorder. Also called: MAOA-related condition.

Submissions (2):

PreventionGenetics, part of Exact Sciences
Classification: Uncertain significance for MAOA-related condition. Last evaluated: 2025-08-19. Review status: criteria provided, single submitter. Criteria: ACMG Guidelines, 2015. Collection method: clinical testing. Allele origin: germline.
Comment: The MAOA c.1447_1448delinsAA variant is predicted to result in an in-frame deletion and insertion. To our knowledge, this variant has not been reported in the literature. It is present on one allele in the gnomAD database, though specific population information is not provided. At this time, the clinical significance of this variant is uncertain due to the absence of conclusive functional and genetic evidence.

Genetic Services Laboratory, University of Chicago
Classification: Uncertain significance. Last evaluated: 2015-11-19. Review status: criteria provided, single submitter. Criteria: ACMG Guidelines, 2015. Collection method: clinical testing. Allele origin: germline. Affected: no.